The following is an entry in ClinVar:

NM_000181.4(GUSB):c.1061C>T (p.Ala354Val)

Gene: GUSB (glucuronidase beta; minus strand). Cytogenetic location: 7q11.21.
Variant type: single nucleotide variant.
Coding change: c.1061C>T on transcript NM_000181.4 (MANE Select); coding-DNA position 1061, C replaced by T.
Protein change: p.Ala354Val; replaces alanine 354 with valine.
Molecular consequence: missense variant. On other transcripts: non-coding transcript variant (1).
Genome position (GRCh38, 1-based): chr7:65,974,923, G>A on the plus strand (C>T on the coding strand, the complement: GUSB is on the minus strand). VCF-style: chr7-65974923-G-A. GRCh37 (hg19) VCF-style: chr7-65439910-G-A.
Other names: c.1061C>T (NM_000181.3); c.623C>T, p.Ala208Val (NM_001284290.2); c.491C>T, p.Ala164Val (NM_001293104.2); c.404C>T, p.Ala135Val (NM_001293105.2); short protein forms A354V, A164V, A135V, A208V.
Identifiers: ClinVar variation 896 (VCV000000896.6), dbSNP rs121918175, ClinGen allele CA339840.

ClinVar aggregate classification (germline): Conflicting classifications of pathogenicity. Review status: criteria provided, conflicting classifications (1 of 4 stars). 4 submissions from 4 submitters: Likely pathogenic (1); Uncertain significance (2). 1 of the submissions does not count toward it. Last evaluated 2025-04-11.

Conditions:
GUSB-related disorder. Also called: GUSB-related condition.
Mucopolysaccharidosis type 7 (MPS7). Also called: BETA-GLUCURONIDASE DEFICIENCY; MPS VII; SLY SYNDROME; GUSB DEFICIENCY. Identifiers: Orphanet 584, MedGen C0085132, MONDO:0009662, OMIM 253220.

Allele frequency attached by ClinVar (database versions not stated): ExAC 0.00001; gnomAD exomes 0.00001; TOPMed 0.00001.
gnomAD v4.1: 12 of 1,613,596 alleles (0.00074%); highest among the groups gnomAD compares: East Asian, 0.0045%; no homozygotes.

Submissions (4):

PreventionGenetics, part of Exact Sciences
Classification: Uncertain significance for GUSB-related condition. Last evaluated: 2025-04-11. Review status: criteria provided, single submitter. Criteria: ACMG Guidelines, 2015. Collection method: clinical testing. Allele origin: germline.
Comment: The GUSB c.1061C>T variant is predicted to result in the amino acid substitution p.Ala354Val. This variant was reported together with second GUSB variant in an individual with mucopolysaccharidosis VII and in vitro functional study showed reduction of its enzymatic activity to 35% of wild type (Wu et al. 1993. PubMed ID: 8111413; Tomatsu et al. 2009. PubMed ID: 19224584). This variant is reported in 0.0054% of alleles in individuals of East Asian descent in gnomAD. Although we suspect that this variant may be pathogenic, at this time, the clinical significance of this variant is uncertain due to the absence of conclusive functional and genetic evidence.

GeneDx
Classification: Likely pathogenic. Last evaluated: 2024-10-20. Review status: criteria provided, single submitter. Criteria: GeneDx Variant Classification Process June 2021. Collection method: clinical testing. Allele origin: germline.
Comment: Published functional studies demonstrate a damaging effect on residual enzymatic activity (PMID: 8111413).; Not observed at significant frequency in large population cohorts (gnomAD); In silico analysis supports that this missense variant has a deleterious effect on protein structure/function; This variant is associated with the following publications: (PMID: 19224584, 8111413, 6811712)

Labcorp Genetics (formerly Invitae), Labcorp
Classification: Uncertain significance for Mucopolysaccharidosis type 7. Last evaluated: 2022-04-07. Review status: criteria provided, single submitter. Criteria: Invitae Variant Classification Sherloc (09022015). Collection method: clinical testing. Allele origin: germline.
Comment: This sequence change replaces alanine, which is neutral and non-polar, with valine, which is neutral and non-polar, at codon 354 of the GUSB protein (p.Ala354Val). This variant is present in population databases (rs121918175, gnomAD 0.006%). This missense change has been observed in individual(s) with mucopolysaccharidosis type VII (PMID: 8111413). ClinVar contains an entry for this variant (Variation ID: 896). Algorithms developed to predict the effect of missense changes on protein structure and function are either unavailable or do not agree on the potential impact of this missense change (SIFT: "Tolerated"; PolyPhen-2: "Probably Damaging"; Align-GVGD: "Class C0"). Experimental studies have shown that this missense change affects GUSB function (PMID: 8111413). In summary, the available evidence is currently insufficient to determine the role of this variant in disease. Therefore, it has been classified as a Variant of Uncertain Significance.

OMIM
Classification: Pathogenic for MUCOPOLYSACCHARIDOSIS, TYPE VII. Last evaluated: 1993-01-01. Review status: no assertion criteria provided. Collection method: literature only. Allele origin: germline. Not counted in ClinVar's aggregate classification.

Literature cited by the submitters: PubMed 8111413 (cited by Labcorp Genetics (formerly Invitae), Labcorp and OMIM); PubMed 6811712 (cited by OMIM).